The following is an entry in ClinVar:

ClinVar aggregate classification (germline): Uncertain significance. Review status: criteria provided, single submitter (1 of 4 stars). 2 submissions from 2 submitters: Uncertain significance (1). 1 of the submissions does not count toward it. Last evaluated 2021-08-26.

Conditions:
MHC class II deficiency. Also called: Bare lymphocyte syndrome 2; BLS, TYPE II. Identifiers: Orphanet 572, MedGen C5447452, MONDO:0008855.

Allele frequency attached by ClinVar (database versions not stated): TOPMed 0.00002.
gnomAD v4.1: 3 of 1,613,568 alleles (0.00019%); highest among the groups gnomAD compares: African/African-American, 0.0027%; no homozygotes.

Submissions (2):

Labcorp Genetics (formerly Invitae), Labcorp
Classification: Uncertain significance for MHC class II deficiency. Last evaluated: 2021-08-26. Review status: criteria provided, single submitter. Criteria: Invitae Variant Classification Sherloc (09022015). Collection method: clinical testing. Allele origin: germline.
Comment: This sequence change replaces arginine with glycine at codon 601 of the CIITA protein (p.Arg601Gly). The arginine residue is weakly conserved and there is a moderate physicochemical difference between arginine and glycine. This variant is not present in population databases (ExAC no frequency). This variant has not been reported in the literature in individuals affected with CIITA-related conditions. Algorithms developed to predict the effect of missense changes on protein structure and function (SIFT, PolyPhen-2, Align-GVGD) all suggest that this variant is likely to be tolerated. In summary, the available evidence is currently insufficient to determine the role of this variant in disease. Therefore, it has been classified as a Variant of Uncertain Significance.

Natera, Inc.
Classification: Uncertain significance for Bare lymphocyte syndrome type II. Last evaluated: 2020-03-17. Review status: no assertion criteria provided. Collection method: clinical testing. Allele origin: germline. Not counted in ClinVar's aggregate classification.

NM_000246.4(CIITA):c.1801C>G (p.Arg601Gly)

Gene: CIITA (class II major histocompatibility complex transactivator; plus strand). Cytogenetic location: 16p13.13.
Variant type: single nucleotide variant.
Coding change: c.1801C>G on transcript NM_000246.4 (MANE Select); coding-DNA position 1801, C replaced by G.
Protein change: p.Arg601Gly; replaces arginine 601 with glycine.
Molecular consequence: missense variant. On other transcripts: intron variant (1).
Genome position (GRCh38, 1-based): chr16:10,907,293, C>G. VCF-style: chr16-10907293-C-G. GRCh37 (hg19) VCF-style: chr16-11001150-C-G.
Other names: c.1804C>G, p.Arg602Gly (NM_001286402.1, NM_001379332.1); c.1657C>G, p.Arg553Gly (NM_001379330.1); c.1654C>G, p.Arg552Gly (NM_001379331.1); c.1801C>G, p.Arg601Gly (NM_001379333.1); c.1732C>G, p.Arg578Gly (NM_001379334.1); c.860-1690C>G (NM_001286403.2); short protein forms R553G, R601G, R602G, R552G, R578G.
Identifiers: ClinVar variation 935395 (VCV000935395.11), dbSNP rs569634954, ClinGen allele CA277746312.